The following is an entry in ClinVar:

NM_001165963.4(SCN1A):c.4726A>G (p.Ile1576Val)

Genes: SCN1A (sodium voltage-gated channel alpha subunit 1; minus strand), LOC102724058 (uncharacterized LOC102724058; plus strand). Cytogenetic location: 2q24.3.
Variant type: single nucleotide variant.
Coding change: c.4726A>G on transcript NM_001165963.4 (MANE Select); coding-DNA position 4726, A replaced by G.
Protein change: p.Ile1576Val; replaces isoleucine 1576 with valine.
Molecular consequence: missense variant. On other transcripts: non-coding transcript variant (1).
Genome position (GRCh38, 1-based): chr2:165,994,272, T>C on the plus strand (A>G on the coding strand, the complement: SCN1A is on the minus strand). VCF-style: chr2-165994272-T-C. GRCh37 (hg19) VCF-style: chr2-166850782-T-C.
Other names: c.4642A>G, p.Ile1548Val (NM_001165964.3, NM_001353957.2, NM_001353958.2); c.4726A>G, p.Ile1576Val (NM_001202435.3, NM_001353948.2); c.4693A>G, p.Ile1565Val (NM_006920.6, NM_001353949.2, NM_001353950.2 and 2 more transcripts); c.4690A>G, p.Ile1564Val (NM_001353954.2, NM_001353955.2); c.4639A>G, p.Ile1547Val (NM_001353960.2); c.2284A>G, p.Ile762Val (NM_001353961.2); short protein forms I1547V, I1548V, I1564V, I1565V, I1576V, I762V.
Identifiers: ClinVar variation 1026481 (VCV001026481.12), dbSNP rs1689696329, ClinGen allele CA349071864.
Genomic context (GRCh38, chr2:165,994,272, plus strand): 5'-GTAGAGAGATGAGTTTCAGTACACACTCTCCAGTAAATAGCACAATGAACACCAGATTGA[T>C]GCGTGACAAAATGGTAGTCACATATTCACTCTGGTCATCTGTTTCCACCATCATTGTGAC-3'
Protein context (NP_001159435.1, residues 1566-1586): SEYVTTILSR[Ile1576Val]NLVFIVLFTG

ClinVar aggregate classification (germline): Uncertain significance. Review status: criteria provided, multiple submitters, no conflicts (2 of 4 stars). 2 submissions from 2 submitters: Uncertain significance (2). Last evaluated 2026-09-17.

Conditions:
Early-infantile DEE. Also called: Ohtahara syndrome; Early infantile epileptic encephalopathy with suppression bursts; Early infantile epileptic encephalopathy. Identifiers: Orphanet 1934, MedGen C0393706, MONDO:0800491.

Submissions (2):

GeneDx
Classification: Uncertain significance. Last evaluated: 2026-09-17. Review status: criteria provided, single submitter. Criteria: GeneDx Variant Classification Process June 2021. Collection method: clinical testing. Allele origin: germline.
Comment: Not observed at significant frequency in large population cohorts (gnomAD); In silico analysis suggests that this missense variant does not alter protein structure/function; Has not been previously published as pathogenic or benign to our knowledge; This substitution is predicted to be within the transmembrane segment S2 of the fourth homologous domain

Labcorp Genetics (formerly Invitae), Labcorp
Classification: Uncertain significance for Early-infantile DEE. Last evaluated: 2020-08-21. Review status: criteria provided, single submitter. Criteria: Invitae Variant Classification Sherloc (09022015). Collection method: clinical testing. Allele origin: germline.
Comment: Algorithms developed to predict the effect of missense changes on protein structure and function (SIFT, PolyPhen-2, Align-GVGD) all suggest that this variant is likely to be disruptive, but these predictions have not been confirmed by published functional studies and their clinical significance is uncertain. In summary, the available evidence is currently insufficient to determine the role of this variant in disease. Therefore, it has been classified as a Variant of Uncertain Significance. This sequence change replaces isoleucine with valine at codon 1576 of the SCN1A protein (p.Ile1576Val). The isoleucine residue is highly conserved and there is a small physicochemical difference between isoleucine and valine. This variant is not present in population databases (ExAC no frequency). This variant has been observed in one or more individuals who were not affected with SCN1A -related conditions (Invitae).